The following is an entry in ClinVar:

NM_015295.3(SMCHD1):c.1580C>T (p.Thr527Met)

Gene: SMCHD1 (structural maintenance of chromosomes flexible hinge domain containing 1; plus strand). Cytogenetic location: 18p11.32.
Variant type: single nucleotide variant.
Coding change: c.1580C>T on transcript NM_015295.3 (MANE Select); coding-DNA position 1580, C replaced by T.
Protein change: p.Thr527Met; replaces threonine 527 with methionine.
Molecular consequence: missense variant.
Genome position (GRCh38, 1-based): chr18:2,700,851, C>T. VCF-style: chr18-2700851-C-T. GRCh37 (hg19) VCF-style: chr18-2700849-C-T.
Other names: short protein forms T527M.
Identifiers: ClinVar variation 88705 (VCV000088705.7), dbSNP rs397518422, ClinGen allele CA266197.

ClinVar aggregate classification (germline): Uncertain significance. Review status: criteria provided, single submitter (1 of 4 stars). 2 submissions from 2 submitters: Uncertain significance (1). 1 of the submissions does not count toward it. Last evaluated 2022-08-15.

Conditions:
Facioscapulohumeral muscular dystrophy 2 (FSHD2). Also called: FACIOSCAPULOHUMERAL MUSCULAR DYSTROPHY 2, DIGENIC; FSHD2, DIGENIC; MUSCULAR DYSTROPHY, FACIOSCAPULOHUMERAL, TYPE 1B. Identifiers: Orphanet 269, MedGen C1834671, MONDO:0008031, OMIM 158901.

Allele frequency attached by ClinVar (database versions not stated): gnomAD 0.00001.
gnomAD v4.1: 5 of 1,612,680 alleles (0.00031%); highest among the groups gnomAD compares: East Asian, 0.0022%; no homozygotes.

Submissions (2):

Labcorp Genetics (formerly Invitae), Labcorp
Classification: Uncertain significance for Facioscapulohumeral muscular dystrophy 2. Last evaluated: 2022-08-15. Review status: criteria provided, single submitter. Criteria: Invitae Variant Classification Sherloc (09022015). Collection method: clinical testing. Allele origin: germline.
Comment: Algorithms developed to predict the effect of missense changes on protein structure and function are either unavailable or do not agree on the potential impact of this missense change (SIFT: "Deleterious"; PolyPhen-2: "Probably Damaging"; Align-GVGD: "Class C0"). Experimental studies have shown that this missense change affects SMCHD1 function (PMID: 28067911). In summary, the available evidence is currently insufficient to determine the role of this variant in disease. Therefore, it has been classified as a Variant of Uncertain Significance. ClinVar contains an entry for this variant (Variation ID: 88705). This sequence change replaces threonine, which is neutral and polar, with methionine, which is neutral and non-polar, at codon 527 of the SMCHD1 protein (p.Thr527Met). This variant is not present in population databases (gnomAD no frequency). This missense change has been observed in individual(s) with clinical features of limb-girdle and/or fascioscapulohumeral muscular dystrophy (PMID: 24075187, 25214167).

OMIM
Classification: Pathogenic for FACIOSCAPULOHUMERAL MUSCULAR DYSTROPHY 2, DIGENIC. Last evaluated: 2013-10-03. Review status: no assertion criteria provided. Collection method: literature only. Allele origin: germline. Not counted in ClinVar's aggregate classification.

Literature cited by the submitters: PubMed 28067911 (cited by Labcorp Genetics (formerly Invitae), Labcorp and OMIM); PubMed 24075187 (cited by Labcorp Genetics (formerly Invitae), Labcorp and OMIM); PubMed 25214167 (cited by Labcorp Genetics (formerly Invitae), Labcorp).